The following is an entry in ClinVar:

NM_000232.5(SGCB):c.691G>A (p.Gly231Ser)

Gene: SGCB (sarcoglycan beta; minus strand). Cytogenetic location: 4q12.
Variant type: single nucleotide variant.
Coding change: c.691G>A on transcript NM_000232.5 (MANE Select); coding-DNA position 691, G replaced by A.
Protein change: p.Gly231Ser; replaces glycine 231 with serine.
Molecular consequence: missense variant.
Genome position (GRCh38, 1-based): chr4:52,028,030, C>T on the plus strand (G>A on the coding strand, the complement: SGCB is on the minus strand). VCF-style: chr4-52028030-C-T. GRCh37 (hg19) VCF-style: chr4-52894196-C-T.
Other names: short protein forms G231S.
Identifiers: ClinVar variation 2098233 (VCV002098233.4), dbSNP rs2475219966, ClinGen allele CA356876001.
Genomic context (GRCh38, chr4:52,028,030, plus strand): 5'-CCTTTAACTCCATATTACCACCCATGTGAAATTCAATGGTTTTGCCCATAATGAATACAC[C>T]TTCATTTCCACGCACAATAGCACGCCCATCAACTTTTATATTTAAATCACTGGTAGCATT-3'
Protein context (NP_000223.1, residues 221-241): DGRAIVRGNE[Gly231Ser]VFIMGKTIEF

ClinVar aggregate classification (germline): Uncertain significance (1 of 4 stars; one submission).

Conditions:
Autosomal recessive limb-girdle muscular dystrophy type 2E (LGMDR4). Also called: MUSCULAR DYSTROPHY, LIMB-GIRDLE, AUTOSOMAL RECESSIVE 4. Identifiers: Orphanet 119, MedGen C1858593, MONDO:0011423, OMIM 604286. Disease mechanism: Affects gamma-sarcoglycan and also disrupts the integrity of the entire sarcoglycan complex..

Submission:

Labcorp Genetics (formerly Invitae), Labcorp
Classification: Uncertain significance for Autosomal recessive limb-girdle muscular dystrophy type 2E. Last evaluated: 2024-12-02. Review status: criteria provided, single submitter. Criteria: Invitae Variant Classification Sherloc (09022015). Collection method: clinical testing. Allele origin: germline.
Comment: This sequence change replaces glycine, which is neutral and non-polar, with serine, which is neutral and polar, at codon 231 of the SGCB protein (p.Gly231Ser). This variant is not present in population databases (gnomAD no frequency). This missense change has been observed in individual(s) with clinical features of limb-girdle muscular dystrophy (PMID: 32875335; internal data). ClinVar contains an entry for this variant (Variation ID: 2098233). Invitae Evidence Modeling of protein sequence and biophysical properties (such as structural, functional, and spatial information, amino acid conservation, physicochemical variation, residue mobility, and thermodynamic stability) indicates that this missense variant is not expected to disrupt SGCB protein function with a negative predictive value of 80%. In summary, the available evidence is currently insufficient to determine the role of this variant in disease. Therefore, it has been classified as a Variant of Uncertain Significance.

Literature cited by the submitters: PubMed 32875335.